The following is an entry in ClinVar:

NM_000051.4(ATM):c.5236G>A (p.Gly1746Arg)

Gene: ATM (ATM serine/threonine kinase; plus strand). Cytogenetic location: 11q22.3.
Variant type: single nucleotide variant.
Coding change: c.5236G>A on transcript NM_000051.4 (MANE Select); coding-DNA position 5236, G replaced by A.
Protein change: p.Gly1746Arg; replaces glycine 1746 with arginine.
Molecular consequence: missense variant.
Genome position (GRCh38, 1-based): chr11:108,301,706, G>A. VCF-style: chr11-108301706-G-A. GRCh37 (hg19) VCF-style: chr11-108172433-G-A.
Other names: NM_000051.4(ATM):c.5236G>A; p.Gly1746Arg; c.5236G>A, p.Gly1746Arg (NM_001351834.2); short protein forms G1746R.
Identifiers: ClinVar variation 407510 (VCV000407510.21), dbSNP rs1060501571, ClinGen allele CA16613442.
Genomic context (GRCh38, chr11:108,301,706, plus strand): 5'-AGTGTCAAAGTTCGATCAGCAGCTGTTACCTGTTTGAAAAACATTTTAGCCACAAAGACT[G>A]GACATAGTTTCTGGGAGATTTATAAGATGACAACAGATCCAATGCTGGCCTATCTACAGC-3'
Protein context (NP_000042.3, residues 1736-1756): CLKNILATKT[Gly1746Arg]HSFWEIYKMT

ClinVar aggregate classification (germline): Pathogenic. Review status: reviewed by expert panel (3 of 4 stars). 5 submissions from 5 submitters: Pathogenic (1). 4 of the submissions do not count toward it. Last evaluated 2025-09-03.

Conditions:
Ataxia-telangiectasia syndrome (AT). Also called: Ataxia telangiectasia (A-T); Cerebello-oculocutaneous telangiectasia; Immunodeficiency with ataxia telangiectasia; AT, COMPLEMENTATION GROUP C; ATAXIA-TELANGIECTASIA, COMPLEMENTATION GROUP A; ATAXIA-TELANGIECTASIA, FRESNO VARIANT. Identifiers: Orphanet 100, MedGen C0004135, MONDO:0008840, OMIM 208900.
Hereditary cancer-predisposing syndrome. Also called: Hereditary neoplastic syndrome; Tumor predisposition; Hereditary Cancer Syndrome; Neoplastic Syndromes, Hereditary. Identifiers: Orphanet 140162, MedGen C0027672, MeSH D009386, MONDO:0015356.
ATM-related cancer predisposition. Also called: ATM-related cancer susceptibility. Identifiers: MedGen CN377759, MONDO:0700270.
Familial cancer of breast. Also called: hereditary breast carcinoma; Hereditary breast cancer; BREAST CANCER, FAMILIAL. Identifiers: Orphanet 227535, MedGen C0346153, MONDO:0016419, OMIM 114480. Disease mechanism: loss of function.

Allele frequency attached by ClinVar (database versions not stated): gnomAD exomes below 0.00001.
gnomAD v4.1: 4 of 1,613,678 alleles (0.00025%); highest among the groups gnomAD compares: Non-Finnish European, 0.00034%; no homozygotes.

Submissions (5):

ClinGen Hereditary Breast, Ovarian and Pancreatic Cancer Variant Curation Expert Panel, ClinGen
Classification: Pathogenic for ATM-related cancer predisposition. Last evaluated: 2025-09-03. Review status: reviewed by expert panel. Criteria: ClinGen HBOP ACMG Specifications ATM V1.3.0. Collection method: curation. Allele origin: germline. Inheritance: Autosomal dominant inheritance.
Comment: The c.5236G>A (p.Gly1746Arg) variant in ATM is a missense variant observed to cause a premature stop codon in biologically-relevant-exon leading to nonsense mediated decay in a gene in which loss-of-function is an established disease mechanism (Ambry internal data). This alteration results in a termination codon upstream of the most C-terminus pathogenic alteration (ATM p.Arg3047*), as classified by the HBOP VCEP, and is expected to be more deleterious. This variant was observed in at least one individual with Ataxia-Telangiectasia (PMID: 26896183). The highest population minor allele frequency in gnomAD v4.1.0 is 0.000003390 in European (non-Finnish) population, which is lower than the HBOP threshold (<0.00001) for PM2_Supporting, meeting this criterion. In summary, this variant meets criteria to be classified as pathogenic for autosomal dominant ATM-related cancer predisposition and autosomal recessive Ataxia-Telangiectasia based on the ACMG/AMP criteria applied, as specified by the HBOP VCEP. (PVS1(RNA), PM5_Supporting, PM3_Supporting, PM2_Supporting)

Ambry Genetics
Classification: Likely pathogenic for Hereditary cancer-predisposing syndrome. Last evaluated: 2025-11-19. Review status: criteria provided, single submitter. Criteria: Ambry Variant Classification Scheme 2023. Collection method: clinical testing. Allele origin: germline. Not counted in ClinVar's aggregate classification.
Comment: The c.5236G>A variant (also known as p.G1746R), located in coding exon 34 of the ATM gene, results from a G to A substitution at nucleotide position 5236. The glycine at codon 1746 is replaced by arginine, an amino acid with dissimilar properties. This nucleotide position is highly conserved in available vertebrate species. In silico splice site analysis predicts that this alteration may weaken the native splice acceptor and native splice donor sites. RNA studies have demonstrated that this alteration results in abnormal splicing in the set of samples tested (Ambry internal data). This variant is considered to be rare based on population cohorts in the Genome Aggregation Database (gnomAD). Based on the majority of available evidence to date, this variant is likely to be pathogenic.

Women's Health and Genetics/Laboratory Corporation of America, LabCorp
Classification: Uncertain significance. Last evaluated: 2024-11-06. Review status: criteria provided, single submitter. Criteria: LabCorp Variant Classification Summary - May 2015. Collection method: clinical testing. Allele origin: germline. Not counted in ClinVar's aggregate classification.
Comment: Variant summary: ATM c.5236G>A (p.Gly1746Arg) results in a non-conservative amino acid change in the encoded protein sequence. Five of five in-silico tools predict a damaging effect of the variant on protein function. The variant was absent in 251178 control chromosomes. The available data on variant occurrences in the general population are insufficient to allow any conclusion about variant significance. c.5236G>A has been reported in the literature in a compound heterozygous individual affected with Ataxia-Telangiectasia (Jackson_2016). These report(s) do not provide unequivocal conclusions about association of the variant with Ataxia-Telangiectasia. To our knowledge, no experimental evidence demonstrating an impact on protein function has been reported. The following publication have been ascertained in the context of this evaluation (PMID: 26896183). ClinVar contains an entry for this variant (Variation ID: 407510). Based on the evidence outlined above, the variant was classified as uncertain significance.

Labcorp Genetics (formerly Invitae), Labcorp
Classification: Uncertain significance for Ataxia-telangiectasia syndrome. Last evaluated: 2022-09-15. Review status: criteria provided, single submitter. Criteria: Invitae Variant Classification Sherloc (09022015). Collection method: clinical testing. Allele origin: germline. Not counted in ClinVar's aggregate classification.
Comment: In summary, the available evidence is currently insufficient to determine the role of this variant in disease. Therefore, it has been classified as a Variant of Uncertain Significance. Algorithms developed to predict the effect of sequence changes on RNA splicing suggest that this variant may disrupt the consensus splice site. This sequence change replaces glycine, which is neutral and non-polar, with arginine, which is basic and polar, at codon 1746 of the ATM protein (p.Gly1746Arg). This variant is not present in population databases (gnomAD no frequency). This missense change has been observed in individual(s) with clinical features of ataxia-telangiectasia (PMID: 26896183). ClinVar contains an entry for this variant (Variation ID: 407510). Algorithms developed to predict the effect of missense changes on protein structure and function are either unavailable or do not agree on the potential impact of this missense change (SIFT: "Deleterious"; PolyPhen-2: "Benign"; Align-GVGD: "Class C0").

Genesis Genomics
Classification: Pathogenic for Familial cancer of breast. Review status: criteria provided, single submitter. Criteria: ACMG Guidelines, 2015. Collection method: clinical testing. Allele origin: germline. Affected: yes. Observed: 1 variant allele. Not counted in ClinVar's aggregate classification.

Literature cited by the submitters: PubMed 26896183 (cited by 3 submitters).